The following is an entry in ClinVar:

NM_000038.6(APC):c.4125C>G (p.His1375Gln)

Gene: APC (APC regulator of Wnt signaling pathway; plus strand). Cytogenetic location: 5q22.2.
Variant type: single nucleotide variant.
Coding change: c.4125C>G on transcript NM_000038.6 (MANE Select); coding-DNA position 4125, C replaced by G.
Protein change: p.His1375Gln; replaces histidine 1375 with glutamine.
Molecular consequence: missense variant.
Genome position (GRCh38, 1-based): chr5:112,839,719, C>G. VCF-style: chr5-112839719-C-G. GRCh37 (hg19) VCF-style: chr5-112175416-C-G.
Other names: c.4125C>G, p.His1375Gln (NM_001127510.3, NM_001354895.2); c.4071C>G, p.His1357Gln (NM_001127511.3); c.4179C>G, p.His1393Gln (NM_001354896.2); c.4155C>G, p.His1385Gln (NM_001354897.2); c.4050C>G, p.His1350Gln (NM_001354898.2); c.4041C>G, p.His1347Gln (NM_001354899.2); c.4002C>G, p.His1334Gln (NM_001354900.2); c.3948C>G, p.His1316Gln (NM_001354901.2); and 5 more; short protein forms H1375Q, H1357Q, H1350Q, H1092Q, H1215Q, H1249Q, H1274Q, H1334Q.
Identifiers: ClinVar variation 568835 (VCV000568835.16), dbSNP rs1060504880, ClinGen allele CA16030366.
Genomic context (GRCh38, chr5:112,839,719, plus strand): 5'-TTCAGGAGCGAAATCTCCCTCCAAAAGTGGTGCTCAGACACCCAAAAGTCCACCTGAACA[C>G]TATGTTCAGGAGACCCCACTCATGTTTAGCAGATGTACTTCTGTCAGTTCACTTGATAGT-3'
Protein context (NP_000029.2, residues 1365-1385): GAQTPKSPPE[His1375Gln]YVQETPLMFS

ClinVar aggregate classification (germline): Uncertain significance. Review status: criteria provided, multiple submitters, no conflicts (2 of 4 stars). 4 submissions from 4 submitters: Uncertain significance (4). Last evaluated 2025-08-29.

Conditions:
Familial adenomatous polyposis 1 (FAP1). Also called: FAMILIAL ADENOMATOUS POLYPOSIS 1, ATTENUATED; POLYPOSIS, ADENOMATOUS INTESTINAL. Identifiers: MedGen C2713442, MONDO:0021056, OMIM 175100. Disease mechanism: loss of function.
Hereditary cancer-predisposing syndrome. Also called: Neoplastic Syndromes, Hereditary; Tumor predisposition; Hereditary neoplastic syndrome; Hereditary Cancer Syndrome. Identifiers: Orphanet 140162, MedGen C0027672, MeSH D009386, MONDO:0015356.

Submissions (4):

Ambry Genetics
Classification: Uncertain significance for Hereditary cancer-predisposing syndrome. Last evaluated: 2025-08-29. Review status: criteria provided, single submitter. Criteria: Ambry Variant Classification Scheme 2023. Collection method: clinical testing. Allele origin: germline.
Comment: The p.H1375Q variant (also known as c.4125C>G), located in coding exon 15 of the APC gene, results from a C to G substitution at nucleotide position 4125. The histidine at codon 1375 is replaced by glutamine, an amino acid with highly similar properties. This amino acid position is well conserved in available vertebrate species. In addition, in silico predictors for this gene do not accurately predict pathogenicity. Missense alterations in APC are not a common cause of disease (Spier I et al. Genet Med. 2024 Feb;26(2):100992). Based on the available evidence, the clinical significance of this variant remains unclear.

GeneDx
Classification: Uncertain significance. Last evaluated: 2023-05-19. Review status: criteria provided, single submitter. Criteria: GeneDx Variant Classification Process June 2021. Collection method: clinical testing. Allele origin: germline. Affected: yes.
Comment: Not observed at significant frequency in large population cohorts (gnomAD); In silico analysis supports that this missense variant does not alter protein structure/function; Has not been previously published as pathogenic or benign to our knowledge; This variant is associated with the following publications: (PMID: 18199528)

Labcorp Genetics (formerly Invitae), Labcorp
Classification: Uncertain significance for Familial adenomatous polyposis 1. Last evaluated: 2022-01-17. Review status: criteria provided, single submitter. Criteria: Invitae Variant Classification Sherloc (09022015). Collection method: clinical testing. Allele origin: germline.
Comment: In summary, the available evidence is currently insufficient to determine the role of this variant in disease. Therefore, it has been classified as a Variant of Uncertain Significance. Algorithms developed to predict the effect of sequence changes on RNA splicing suggest that this variant may create or strengthen a splice site. Algorithms developed to predict the effect of missense changes on protein structure and function are either unavailable or do not agree on the potential impact of this missense change (SIFT: "Tolerated"; PolyPhen-2: "Probably Damaging"; Align-GVGD: "Class C0"). ClinVar contains an entry for this variant (Variation ID: 568835). This variant has not been reported in the literature in individuals affected with APC-related conditions. This variant is not present in population databases (gnomAD no frequency). This sequence change replaces histidine, which is basic and polar, with glutamine, which is neutral and polar, at codon 1375 of the APC protein (p.His1375Gln).

Color Diagnostics, LLC DBA Color Health
Classification: Uncertain significance for Hereditary cancer-predisposing syndrome. Last evaluated: 2019-05-24. Review status: criteria provided, single submitter. Criteria: ACMG Guidelines, 2015. Collection method: clinical testing. Allele origin: germline.